The following is an entry in ClinVar:

NM_003322.6(TULP1):c.373G>C (p.Glu125Gln)

Gene: TULP1 (TUB like protein 1; minus strand). Cytogenetic location: 6p21.31.
Variant type: single nucleotide variant.
Coding change: c.373G>C on transcript NM_003322.6 (MANE Select); coding-DNA position 373, G replaced by C.
Protein change: p.Glu125Gln; replaces glutamic acid 125 with glutamine.
Molecular consequence: missense variant.
Genome position (GRCh38, 1-based): chr6:35,510,987, C>G on the plus strand (G>C on the coding strand, the complement: TULP1 is on the minus strand). VCF-style: chr6-35510987-C-G. GRCh37 (hg19) VCF-style: chr6-35478764-C-G.
Other names: c.214G>C, p.Glu72Gln (NM_001289395.2); short protein forms E72Q, E125Q.
Identifiers: ClinVar variation 857943 (VCV000857943.6), dbSNP rs376074938, ClinGen allele CA3772935.

ClinVar aggregate classification (germline): Uncertain significance. Review status: criteria provided, multiple submitters, no conflicts (2 of 4 stars). 2 submissions from 2 submitters: Uncertain significance (2). Last evaluated 2023-05-31.

Allele frequency attached by ClinVar (database versions not stated): TOPMed 0.00008; ESP Exome Variant Server 0.00015; 1000 Genomes Project 0.00020.

Submissions (2):

Blueprint Genetics
Classification: Uncertain significance. Last evaluated: 2023-05-31. Review status: criteria provided, single submitter. Criteria: ACMG Guidelines, 2015. Collection method: clinical testing. Allele origin: germline.

Labcorp Genetics (formerly Invitae), Labcorp
Classification: Uncertain significance. Last evaluated: 2022-10-12. Review status: criteria provided, single submitter. Criteria: Invitae Variant Classification Sherloc (09022015). Collection method: clinical testing. Allele origin: germline.
Comment: This sequence change replaces glutamic acid, which is acidic and polar, with glutamine, which is neutral and polar, at codon 125 of the TULP1 protein (p.Glu125Gln). The frequency data for this variant in the population databases is considered unreliable, as metrics indicate poor data quality at this position in the gnomAD database. This variant has not been reported in the literature in individuals affected with TULP1-related conditions. ClinVar contains an entry for this variant (Variation ID: 857943). Advanced modeling of protein sequence and biophysical properties (such as structural, functional, and spatial information, amino acid conservation, physicochemical variation, residue mobility, and thermodynamic stability) performed at Invitae indicates that this missense variant is not expected to disrupt TULP1 protein function. In summary, the available evidence is currently insufficient to determine the role of this variant in disease. Therefore, it has been classified as a Variant of Uncertain Significance.